The following is an entry in ClinVar:

NM_001145373.3(OTUD1):c.1122A>T (p.Ala374=)

Gene: OTUD1 (OTU deubiquitinase 1; plus strand). Cytogenetic location: 10p12.2.
Variant type: single nucleotide variant.
Coding change: c.1122A>T on transcript NM_001145373.3 (MANE Select); coding-DNA position 1122, A replaced by T.
Protein change: p.Ala374=; no amino-acid change (alanine 374 retained).
Molecular consequence: synonymous variant.
Genome position (GRCh38, 1-based): chr10:23,440,579, A>T. VCF-style: chr10-23440579-A-T. GRCh37 (hg19) VCF-style: chr10-23729508-A-T.
Identifiers: ClinVar variation 775285 (VCV000775285.6), dbSNP rs148315007, ClinGen allele CA5438999.
Genomic context (GRCh38, chr10:23,440,579, plus strand): 5'-CAGCCCCCTGATTGAGGGCGACGTGGGGGAGTTTATCATCGCTGCTGCCCAAGACGGGGC[A>T]TGGGCCGGGTACCCGGAGTTGCTGGCCATGGGGCAGATGCTGAATGTGAATATCCATTTA-3'
Protein context (NP_001138845.1, residues 364-384): EFIIAAAQDG[Ala374=]WAGYPELLAM

ClinVar aggregate classification (germline): Benign. Review status: criteria provided, multiple submitters, no conflicts (2 of 4 stars). 3 submissions from 3 submitters: Benign (2). 1 of the submissions does not count toward it. Last evaluated 2018-02-26.

Conditions:
OTUD1-related disorder. Also called: OTUD1-related condition.

Allele frequency attached by ClinVar (database versions not stated): ExAC 0.00467; 1000 Genomes Project 30x 0.01124; 1000 Genomes Project 0.01138; TOPMed 0.01164; ESP Exome Variant Server 0.01248.
gnomAD v4.1: 3,848 of 1,551,678 alleles (0.25%); highest among the groups gnomAD compares: African/African-American, 3.5%; 54 homozygotes.

Submissions (3):

Labcorp Genetics (formerly Invitae), Labcorp
Classification: Benign. Last evaluated: 2018-02-26. Review status: criteria provided, single submitter. Criteria: Invitae Variant Classification Sherloc (09022015). Collection method: clinical testing. Allele origin: germline.

Breakthrough Genomics
Classification: Benign. Review status: criteria provided, single submitter. Criteria: ACMG Guidelines, 2015. Collection method: not provided. Allele origin: germline. Inheritance: Unknown mechanism. Affected: yes.

PreventionGenetics, part of Exact Sciences
Classification: Benign for OTUD1-related condition. Last evaluated: 2019-02-27. Review status: no assertion criteria provided. Collection method: clinical testing. Allele origin: germline. Not counted in ClinVar's aggregate classification.
Comment: This variant is classified as benign based on ACMG/AMP sequence variant interpretation guidelines (Richards et al. 2015 PMID: 25741868, with internal and published modifications).